The following is an entry in ClinVar:

ClinVar aggregate classification (germline): Pathogenic/Likely pathogenic. Review status: criteria provided, multiple submitters, no conflicts (2 of 4 stars). 17 submissions from 17 submitters: Pathogenic (15); Likely pathogenic (1). 1 of the submissions does not count toward it. Last evaluated 2026-03-05.

Conditions:
Inborn genetic diseases. Identifiers: MedGen C0950123, MeSH D030342.
Galactosemia. Also called: Galactose intolerance. Identifiers: Orphanet 352, MedGen C0016952, MONDO:0018116, HP:0004919. Disease mechanism: loss of function.
Deficiency of UDPglucose-hexose-1-phosphate uridylyltransferase. Also called: GALACTOSE-1-PHOSPHATE URIDYLYLTRANSFERASE DEFICIENCY; Transferase Deficiency Galactosemia; GALACTOSEMIA I; GALT deficiency; Galactosemia, classic. Identifiers: Orphanet 352, Orphanet 79239, MedGen C0268151, MONDO:0009258, OMIM 230400.

Allele frequency attached by ClinVar (database versions not stated): gnomAD 0.00004 and 0.00003; TOPMed 0.00004; gnomAD exomes below 0.00001; ExAC 0.00001.
gnomAD v4.1: 11 of 1,614,042 alleles (0.00068%); highest among the groups gnomAD compares: African/African-American, 0.013%; no homozygotes.

Submissions 1 to 11 of 17:

Mendelics
Classification: Pathogenic for Deficiency of UDPglucose-hexose-1-phosphate uridylyltransferase. Last evaluated: 2026-03-05. Review status: criteria provided, single submitter. Criteria: ACMG Guidelines, 2015. Collection method: clinical testing. Allele origin: unknown.
Comment: Likely pathogenic/Pathogenic according to ACMG criteria.

OLLIN Analises Genomicas, OLLIN
Classification: Pathogenic for Deficiency of UDPglucose-hexose-1-phosphate uridylyltransferase. Last evaluated: 2026-02-13. Review status: criteria provided, single submitter. Criteria: ACMG Guidelines 2015 PMID 25741868. Collection method: clinical testing. Allele origin: germline. Observed: 1 variant allele.
Comment: PS3_P, PM2_P, PM3_S, PP2, PP3_S

Natera, Inc.
Classification: Pathogenic for Galactosemia. Last evaluated: 2026-01-30. Review status: criteria provided, single submitter. Criteria: Natera Variant Classification Schema (03/2026). Collection method: clinical testing. Allele origin: germline.
Comment: The c.512T>C variant in GALT is a missense variant predicted to cause substitution of phenylalanine to serine at amino acid 171. This variant is rare in the general population with a frequency below the threshold expected for the associated phenotype(s). This variant has been observed in one or more individuals affected with the associated recessive disease, as either homozygous or compound heterozygous with a second variant (PMID: 22944367). Computational prediction algorithms indicate this variant is likely to affect gene or protein function. Given the available evidence, this variant is classified as Pathogenic.

Labcorp Genetics (formerly Invitae), Labcorp
Classification: Pathogenic for Deficiency of UDPglucose-hexose-1-phosphate uridylyltransferase. Last evaluated: 2025-10-18. Review status: criteria provided, single submitter. Criteria: Invitae Variant Classification Sherloc (09022015). Collection method: clinical testing. Allele origin: germline.
Comment: This sequence change replaces phenylalanine, which is neutral and non-polar, with serine, which is neutral and polar, at codon 171 of the GALT protein (p.Phe171Ser). This variant is present in population databases (rs111033715, gnomAD 0.02%). This missense change has been observed in individual(s) with galactosemia (PMID: 1610789, 18956253, 22944367, 23022339, 27176039). ClinVar contains an entry for this variant (Variation ID: 3616). Invitae Evidence Modeling of protein sequence and biophysical properties (such as structural, functional, and spatial information, amino acid conservation, physicochemical variation, residue mobility, and thermodynamic stability) indicates that this missense variant is expected to disrupt GALT protein function with a positive predictive value of 95%. Experimental studies have shown that this missense change affects GALT function (PMID: 1610789, 10811638, 23583749). For these reasons, this variant has been classified as Pathogenic.

Ambry Genetics
Classification: Pathogenic for Inborn genetic diseases. Last evaluated: 2025-05-31. Review status: criteria provided, single submitter. Criteria: Ambry Variant Classification Scheme 2023. Collection method: clinical testing. Allele origin: germline.
Comment: The c.512T>C (p.F171S) alteration is located in exon 6 (coding exon 6) of the GALT gene. This alteration results from a T to C substitution at nucleotide position 512, causing the phenylalanine (F) at amino acid position 171 to be replaced by a serine (S). Based on data from gnomAD, the C allele has an overall frequency of 0.002% (5/282878) total alleles studied. The highest observed frequency was 0.02% (5/24954) of African alleles. This variant has been identified in the homozygous state and/or in conjunction with other GALT variants in individuals with features consistent with galactosemia (Reichardt, 1992; Vel&aacute;zquez-Arag&oacute;n, 2008; Singh, 2012; Boutron, 2012; Garcia, 2016). This amino acid position is highly conserved in available vertebrate species. In multiple assays testing GALT function, this variant showed functionally abnormal results (Crews, 2000; Riehman, 2001; McCorvie, 2013). This alteration is predicted to be deleterious by in silico analysis. Based on the available evidence, this alteration is classified as pathogenic.

Dasa
Classification: Pathogenic. Last evaluated: 2024-12-30. Review status: criteria provided, single submitter. Criteria: DASA Assertion Criteria. Collection method: clinical testing. Allele origin: germline.
Comment: NM_000155.4(GALT):c.512T>C (p.Phe171Ser) is a missense variant that results in the substitution of phenylalanine with serine. The affected residue or protein region has prior evidence supporting clinical relevance. This variant has been observed in affected individuals with related phenotype in a genotype context consistent with recessive disease (PMID: 10811638; PMID: 1610789; PMID: 23583749; PMID: 10535394; PMID: 22944367). Functional evidence supports a deleterious effect on the gene or gene product (PMID: 10811638; PMID: 1610789; PMID: 23583749; PMID: 10535394; PMID: 22944367). This variant has been recurrently observed in individuals with related phenotype (PMID: 10811638; PMID: 1610789; PMID: 23583749; PMID: 10535394; PMID: 22944367). Multiple computational predictions support a deleterious effect on the gene or gene product. The variant is present at low frequency in population datasets. Based on the available data, this variant is classified as pathogenic.

Fulgent Genetics
Classification: Pathogenic for Deficiency of UDPglucose-hexose-1-phosphate uridylyltransferase. Last evaluated: 2024-06-21. Review status: criteria provided, single submitter. Criteria: ACMG Guidelines, 2015. Collection method: clinical testing. Allele origin: germline.

Genomic Medicine Center of Excellence, King Faisal Specialist Hospital and Research Centre
Classification: Pathogenic for Deficiency of UDPglucose-hexose-1-phosphate uridylyltransferase. Last evaluated: 2024-03-26. Review status: criteria provided, single submitter. Criteria: ACMG Guidelines, 2015. Collection method: clinical testing. Allele origin: germline.

Baylor Genetics
Classification: Pathogenic for Deficiency of UDPglucose-hexose-1-phosphate uridylyltransferase. Last evaluated: 2024-03-25. Review status: criteria provided, single submitter. Criteria: ACMG Guidelines, 2015. Collection method: clinical testing. Allele origin: unknown.

Laboratory for Molecular Medicine, Mass General Brigham Personalized Medicine
Classification: Pathogenic for Galactosemia. Last evaluated: 2023-11-17. Review status: criteria provided, single submitter. Criteria: ACMG Guidelines, 2015. Collection method: clinical testing. Allele origin: germline. Inheritance: Autosomal recessive inheritance.
Comment: The p.Phe171Ser variant in GALT has been reported in the homozygous state in at least 2 individuals and in the compound heterozygous state with another disease causing variant in in GALT in 6 individuals with galactosemia (Reichardt 1992 PMID: 1610789, Palmieri 1999 PMID: 10535394, Velazquez-Aragon 2008 PMID: 18956253, Singh 2012 PMID: 23022339, Boutron 2012 PMID: 22944367, Garcia 2016 PMID: 27176039). This variant has also been reported by other clinical laboratories in ClinVar (Variation ID 3616) and has been identified in 0.01% (5/41434) of African chromosomes by gnomAD (v.3.1.2). In vitro functional studies provide evidence that this variant retains no enzymatic activity (Crews 2000 PMID: 10811638, McCorvie 2013 PMID: 23583749, Riehman 2001 PMID: 11152465) and computational prediction tools and conservation analyses are consistent with pathogenicity. In summary, this variant meets criteria to be classified as pathogenic for autosomal recessive galactosemia. ACMG/AMP Criteria applied: PM3_VeryStrong, PS3_Moderate, PP3, PM2_Supporting, PP4.

ARUP Laboratories, Molecular Genetics and Genomics, ARUP Laboratories
Classification: Pathogenic for Deficiency of UDPglucose-hexose-1-phosphate uridylyltransferase. Last evaluated: 2023-10-30. Review status: criteria provided, single submitter. Criteria: ARUP Molecular Germline Variant Investigation Process 2024. Collection method: clinical testing. Allele origin: germline.
Comment: The GALT c.512T>C; p.Phe171Ser variant (rs111033715) is described in several studies to have reduced or a complete loss of enzymatic activity (Crews 2000, McCorvie 2013, Reichardt 1992, Riehman 2001, Wang 1998). This variant is reported as pathogenic by multiple laboratories in ClinVar (Variation ID: 3616). It is found in the general African American population with a low allele frequency of 0.02% (5/24016 alleles) in the Genome Aggregation Database. The phenylalanine at codon 171 is highly conserved, and computational analyses predict that this variant is deleterious (REVEL: 0.985). Based on available information, this variant is considered to be pathogenic. References: Crews C et al. Functional consequence of substitutions at residue 171 in human galactose-1-phosphate uridylyltransferase. J Biol Chem. 2000 Jul 28;275(30):22847-53. PMID: 10811638 McCorvie TJ et al. Misfolding of galactose 1-phosphate uridylyltransferase can result in type I galactosemia. Biochim Biophys Acta. 2013 Aug;1832(8):1279-93. PMID: 23583749 Reichardt JK et al. Molecular characterization of two galactosemia mutations and one polymorphism: implications for structure-function analysis of human galactose-1-phosphate uridyltransferase. Biochemistry. 1992 Jun 23;31(24):5430-3. PMID: 1610789 Riehman K et al. Relationship between genotype, activity, and galactose sensitivity in yeast expressing patient alleles of human galactose-1-phosphate uridylyltransferase. J Biol Chem. 2001 Apr 6;276(14):10634-40. PMID: 11152465 Wang BB et al. Molecular and biochemical basis of galactosemia. Mol Genet Metab. 1998 Apr;63(4):263-9. PMID: 9635294

NM_000155.4(GALT):c.512T>C (p.Phe171Ser)

Gene: GALT (galactose-1-phosphate uridylyltransferase; plus strand). Cytogenetic location: 9p13.3.
Variant type: single nucleotide variant.
Coding change: c.512T>C on transcript NM_000155.4 (MANE Select); coding-DNA position 512, T replaced by C.
Protein change: p.Phe171Ser; replaces phenylalanine 171 with serine.
Molecular consequence: missense variant.
Genome position (GRCh38, 1-based): chr9:34,648,119, T>C. VCF-style: chr9-34648119-T-C. GRCh37 (hg19) VCF-style: chr9-34648116-T-C.
Other names: c.185T>C, p.Phe62Ser (NM_001258332.2); short protein forms F171S, F62S.
Identifiers: ClinVar variation 3616 (VCV000003616.64), dbSNP rs111033715, ClinGen allele CA340106.